The following is an entry in ClinVar:

ClinVar aggregate classification (germline): Uncertain significance. Review status: criteria provided, multiple submitters, no conflicts (2 of 4 stars). 2 submissions from 2 submitters: Uncertain significance (2). Last evaluated 2022-07-26.

Conditions:
Epidermodysplasia verruciformis. Identifiers: Orphanet 302, MedGen C0014522, MONDO:0009176.
Inborn genetic diseases. Identifiers: MedGen C0950123, MeSH D030342.

Submissions (2):

Ambry Genetics
Classification: Uncertain significance for Inborn genetic diseases. Last evaluated: 2022-07-26. Review status: criteria provided, single submitter. Criteria: Ambry Variant Classification Scheme 2023. Collection method: clinical testing. Allele origin: germline.

Labcorp Genetics (formerly Invitae), Labcorp
Classification: Uncertain significance for Epidermodysplasia verruciformis. Last evaluated: 2021-11-15. Review status: criteria provided, single submitter. Criteria: Invitae Variant Classification Sherloc (09022015). Collection method: clinical testing. Allele origin: germline.
Comment: This sequence change replaces tyrosine, which is neutral and polar, with histidine, which is basic and polar, at codon 307 of the TMC6 protein (p.Tyr307His). This variant is not present in population databases (gnomAD no frequency). This variant has not been reported in the literature in individuals affected with TMC6-related conditions. ClinVar contains an entry for this variant (Variation ID: 856198). Algorithms developed to predict the effect of missense changes on protein structure and function are either unavailable or do not agree on the potential impact of this missense change (SIFT: "Not Available"; PolyPhen-2: "Probably Damaging"; Align-GVGD: "Not Available"). In summary, the available evidence is currently insufficient to determine the role of this variant in disease. Therefore, it has been classified as a Variant of Uncertain Significance.

NM_001127198.5(TMC6):c.919T>C (p.Tyr307His)

Gene: TMC6 (transmembrane channel like 6; minus strand). Cytogenetic location: 17q25.3.
Variant type: single nucleotide variant.
Coding change: c.919T>C on transcript NM_001127198.5 (MANE Select); coding-DNA position 919, T replaced by C.
Protein change: p.Tyr307His; replaces tyrosine 307 with histidine.
Molecular consequence: missense variant.
Genome position (GRCh38, 1-based): chr17:78,124,152, A>G on the plus strand (T>C on the coding strand, the complement: TMC6 is on the minus strand). VCF-style: chr17-78124152-A-G. GRCh37 (hg19) VCF-style: chr17-76120233-A-G.
Other names: c.919T>C, p.Tyr307His (NM_001321185.1, NM_001374593.1, NM_001374594.1 and 4 more transcripts); c.919T>C (NM_007267.6); short protein forms Y307H.
Identifiers: ClinVar variation 856198 (VCV000856198.8), dbSNP rs2074574322, ClinGen allele CA401232210.